The following is an entry in ClinVar:

ClinVar aggregate classification (germline): Likely benign. Review status: criteria provided, multiple submitters, no conflicts (2 of 4 stars). 4 submissions from 4 submitters: Likely benign (3). 1 of the submissions does not count toward it. Last evaluated 2019-04-05.

Conditions:
UQCRB-related disorder. Also called: UQCRB-related condition.
Mitochondrial complex III deficiency nuclear type 3. Identifiers: MedGen C3554606, MONDO:0014064, OMIM 615158.

Allele frequency attached by ClinVar (database versions not stated): 1000 Genomes Project 0.00519; 1000 Genomes Project 30x 0.00593; gnomAD 0.00624; TOPMed 0.00686.
gnomAD v4.1: 1,791 of 1,531,438 alleles (0.12%); highest among the groups gnomAD compares: African/African-American, 2%; 13 homozygotes.

Submissions (4):

ARUP Laboratories, Molecular Genetics and Genomics, ARUP Laboratories
Classification: Likely benign for Mitochondrial complex III deficiency nuclear type 3. Last evaluated: 2019-04-05. Review status: criteria provided, single submitter. Criteria: ARUP Molecular Germline Variant Investigation Process. Collection method: clinical testing. Allele origin: germline.

GeneDx
Classification: Likely benign. Last evaluated: 2018-09-07. Review status: criteria provided, single submitter. Criteria: GeneDx Variant Classification Process June 2021. Collection method: clinical testing. Allele origin: germline. Affected: yes.

Breakthrough Genomics
Classification: Likely benign. Review status: criteria provided, single submitter. Criteria: ACMG Guidelines, 2015. Collection method: not provided. Allele origin: germline. Inheritance: Autosomal recessive inheritance. Affected: yes.

PreventionGenetics, part of Exact Sciences
Classification: Benign for UQCRB-related condition. Last evaluated: 2019-09-04. Review status: no assertion criteria provided. Collection method: clinical testing. Allele origin: germline. Not counted in ClinVar's aggregate classification.
Comment: This variant is classified as benign based on ACMG/AMP sequence variant interpretation guidelines (Richards et al. 2015 PMID: 25741868, with internal and published modifications).

NM_006294.5(UQCRB):c.258+268G>A

Gene: UQCRB (ubiquinol-cytochrome c reductase binding protein; minus strand). Cytogenetic location: 8q22.1.
Variant type: single nucleotide variant.
Coding change: c.258+268G>A on transcript NM_006294.5 (MANE Select); 268 bases into the intron after coding-DNA position 258, G replaced by A.
Molecular consequence: intron variant. On other transcripts: missense variant (1), non-coding transcript variant (1).
Genome position (GRCh38, 1-based): chr8:96,231,506, C>T on the plus strand (G>A on the coding strand, the complement: UQCRB is on the minus strand). VCF-style: chr8-96231506-C-T. GRCh37 (hg19) VCF-style: chr8-97243734-C-T.
Other names: c.268G>A, p.Val90Ile (NM_001254752.2); c.162+268G>A (NM_001199975.3); c.268G>A (NM_001254752.1); short protein forms V90I.
Identifiers: ClinVar variation 811923 (VCV000811923.13), dbSNP rs145799884, ClinGen allele CA4815869.